The following is an entry in ClinVar:

ClinVar aggregate classification (germline): Likely pathogenic (1 of 4 stars; one submission).

Conditions:
Dilated cardiomyopathy 1G (CMD1G). Identifiers: Orphanet 154, MedGen C1858763, MONDO:0011400, OMIM 604145.
Autosomal recessive limb-girdle muscular dystrophy type 2J (LGMDR10). Also called: Limb-girdle muscular dystrophy, type 2J; MUSCULAR DYSTROPHY, LIMB-GIRDLE, AUTOSOMAL RECESSIVE 10. Identifiers: Orphanet 140922, MedGen C1837342, MONDO:0012127, OMIM 608807.

Submission:

Labcorp Genetics (formerly Invitae), Labcorp
Classification: Likely pathogenic for Dilated cardiomyopathy 1G; Autosomal recessive limb-girdle muscular dystrophy type 2J. Last evaluated: 2024-10-18. Review status: criteria provided, single submitter. Criteria: Invitae Variant Classification Sherloc (09022015). Collection method: clinical testing. Allele origin: germline.
Comment: This sequence change creates a premature translational stop signal (p.Gln9156*) in the TTN gene. While this is not anticipated to result in nonsense mediated decay, it is expected to create a truncated TTN protein. This variant is not present in population databases (gnomAD no frequency). This variant has not been reported in the literature in individuals affected with TTN-related conditions. ClinVar contains an entry for this variant (Variation ID: 956284). This variant is located in the I band of TTN (PMID: 25589632). Truncating variants in this region have been reported in individuals affected with autosomal recessive centronuclear myopathy (PMID: 23975875, internal data). Truncating variants in this region have also been identified in individuals affected with autosomal dominant dilated cardiomyopathy and/or cardio-related conditions (PMID: 27869827, 32964742, internal data). In summary, the currently available evidence indicates that the variant is pathogenic, but additional data are needed to prove that conclusively. Therefore, this variant has been classified as Likely Pathogenic.

Literature cited by the submitters: PubMed 25589632; PubMed 23975875; PubMed 27869827; PubMed 32964742.

NM_001267550.2(TTN):c.27466C>T (p.Gln9156Ter)

Gene: TTN (titin; minus strand). Cytogenetic location: 2q31.2.
Variant type: single nucleotide variant.
Coding change: c.27466C>T on transcript NM_001267550.2 (MANE Select); coding-DNA position 27466, C replaced by T.
Protein change: p.Gln9156Ter; replaces glutamine 9156 with a stop codon.
Molecular consequence: nonsense. On other transcripts: intron variant (3).
Genome position (GRCh38, 1-based): chr2:178,712,456, G>A on the plus strand (C>T on the coding strand, the complement: TTN is on the minus strand). VCF-style: chr2-178712456-G-A. GRCh37 (hg19) VCF-style: chr2-179577183-G-A.
Other names: c.26515C>T, p.Gln8839Ter (NM_001256850.1); c.23734C>T, p.Gln7912Ter (NM_133378.4); c.13282+25626C>T (NM_003319.4); c.13858+25626C>T (NM_133437.4); c.13657+25626C>T (NM_133432.3); short protein forms Q7912*, Q8839*, Q9156*.
Identifiers: ClinVar variation 956284 (VCV000956284.10), dbSNP rs2076800953, ClinGen allele CA349452393.
Genomic context (GRCh38, chr2:178,712,456, plus strand): 5'-CTGTGCTACTTGGAATTTCCAGGATTGCCGATTTTTCAGTCGTAGTTATATTACACCTCT[G>A]AGAAGGAGTTACATTTATGCCATTTTTCTTCCAGGTAACCGAAATGGGAGGAGTTCCAGT-3'